The following is an entry in ClinVar:

ClinVar aggregate classification (germline): Conflicting classifications of pathogenicity. Review status: criteria provided, conflicting classifications (1 of 4 stars). 8 submissions from 8 submitters: Uncertain significance (3); Benign (1); Likely benign (4). Last evaluated 2025-12-29.

Conditions:
Hereditary cancer-predisposing syndrome. Also called: Hereditary Cancer Syndrome; Neoplastic Syndromes, Hereditary; Tumor predisposition; Hereditary neoplastic syndrome. Identifiers: Orphanet 140162, MedGen C0027672, MeSH D009386, MONDO:0015356.
Familial cancer of breast. Also called: Hereditary breast cancer; hereditary breast carcinoma; BREAST CANCER, FAMILIAL. Identifiers: Orphanet 227535, MedGen C0346153, MONDO:0016419, OMIM 114480. Disease mechanism: loss of function.
Ataxia-telangiectasia syndrome (AT). Also called: Ataxia telangiectasia (A-T); Ataxia-telangiectasia, complementation group E; LOUIS-BAR SYNDROME; Cerebello-oculocutaneous telangiectasia; Immunodeficiency with ataxia telangiectasia; Ataxia-telangiectasia, complementation group D. Identifiers: Orphanet 100, MedGen C0004135, MONDO:0008840, OMIM 208900.

Allele frequency attached by ClinVar (database versions not stated): gnomAD exomes below 0.00001; gnomAD 0.00001; TOPMed 0.00001; ExAC 0.00002; 1000 Genomes Project 30x 0.00016; 1000 Genomes Project 0.00020.
gnomAD v4.1: 15 of 1,483,710 alleles (0.001%); highest among the groups gnomAD compares: Non-Finnish European, 0.0013%; no homozygotes.

Submissions (8):

Center for Genomic Medicine, Rigshospitalet, Copenhagen University Hospital
Classification: Uncertain significance. Last evaluated: 2025-12-29. Review status: criteria provided, single submitter. Criteria: ACMG Guidelines, 2015. Collection method: clinical testing. Allele origin: germline.

Labcorp Genetics (formerly Invitae), Labcorp
Classification: Likely benign for Ataxia-telangiectasia syndrome. Last evaluated: 2025-12-14. Review status: criteria provided, single submitter. Criteria: Invitae Variant Classification Sherloc (09022015). Collection method: clinical testing. Allele origin: germline.

Quest Diagnostics Nichols Institute San Juan Capistrano
Classification: Uncertain significance. Last evaluated: 2025-08-04. Review status: criteria provided, single submitter. Criteria: Quest Diagnostics criteria. Collection method: clinical testing. Allele origin: unknown.

Myriad Genetics, Inc.
Classification: Likely benign for Familial cancer of breast. Last evaluated: 2024-05-20. Review status: criteria provided, single submitter. Criteria: Myriad Autosomal Dominant, Autosomal Recessive and X-Linked Classification Criteria (2023). Collection method: clinical testing. Allele origin: unknown.
Comment: This variant is considered likely benign. This variant is intronic and is not expected to impact mRNA splicing. This variant is strongly associated with less severe personal and family histories of cancer, typical for individuals without pathogenic variants in this gene [PMID: 25085752].

Ambry Genetics
Classification: Likely benign for Hereditary cancer-predisposing syndrome. Last evaluated: 2019-10-04. Review status: criteria provided, single submitter. Criteria: Ambry Variant Classification Scheme 2023. Collection method: clinical testing. Allele origin: germline.

Institute for Biomarker Research, Medical Diagnostic Laboratories, L.L.C.
Classification: Uncertain significance for Hereditary cancer-predisposing syndrome. Last evaluated: 2018-05-23. Review status: criteria provided, single submitter. Criteria: ACMG Guidelines, 2015. Collection method: clinical testing. Allele origin: germline.

Color Diagnostics, LLC DBA Color Health
Classification: Likely benign for Hereditary cancer-predisposing syndrome. Last evaluated: 2016-07-11. Review status: criteria provided, single submitter. Criteria: ACMG Guidelines, 2015. Collection method: clinical testing. Allele origin: germline.

GeneDx
Classification: Benign. Last evaluated: 2015-03-03. Review status: criteria provided, single submitter. Criteria: GeneDx Variant Classification Process June 2021. Collection method: clinical testing. Allele origin: germline. Affected: yes.

Literature cited by the submitters: PubMed 25085752 (cited by Myriad Genetics, Inc.).

NM_000051.4(ATM):c.4612-4T>G

Gene: ATM (ATM serine/threonine kinase; plus strand). Cytogenetic location: 11q22.3.
Variant type: single nucleotide variant.
Coding change: c.4612-4T>G on transcript NM_000051.4 (MANE Select); 4 bases into the intron before coding-DNA position 4612, T replaced by G.
Molecular consequence: intron variant.
Genome position (GRCh38, 1-based): chr11:108,293,309, T>G. VCF-style: chr11-108293309-T-G. GRCh37 (hg19) VCF-style: chr11-108164036-T-G.
Other names: c.4612-4T>G (NM_001351834.2).
Identifiers: ClinVar variation 230811 (VCV000230811.24), dbSNP rs569983068, ClinGen allele CA6265519.